The following is an entry in ClinVar:

ClinVar aggregate classification (germline): Uncertain significance. Review status: criteria provided, multiple submitters, no conflicts (2 of 4 stars). 2 submissions from 2 submitters: Uncertain significance (2). Last evaluated 2022-01-04.

Conditions:
Inborn genetic diseases. Identifiers: MedGen C0950123, MeSH D030342.

gnomAD v4.1: 2 of 1,561,804 alleles (0.00013%); highest among the groups gnomAD compares: Non-Finnish European, 0.00017%; no homozygotes.

Submissions (2):

Ambry Genetics
Classification: Uncertain significance for Inborn genetic diseases. Last evaluated: 2022-01-04. Review status: criteria provided, single submitter. Criteria: Ambry Variant Classification Scheme 2023. Collection method: clinical testing. Allele origin: germline.

Labcorp Genetics (formerly Invitae), Labcorp
Classification: Uncertain significance. Last evaluated: 2021-11-21. Review status: criteria provided, single submitter. Criteria: Invitae Variant Classification Sherloc (09022015). Collection method: clinical testing. Allele origin: germline.
Comment: This variant has not been reported in the literature in individuals affected with SLC46A1-related conditions. This variant is not present in population databases (gnomAD no frequency). This sequence change replaces proline, which is neutral and non-polar, with histidine, which is basic and polar, at codon 7 of the SLC46A1 protein (p.Pro7His). Experimental studies and prediction algorithms are not available or were not evaluated, and the functional significance of this variant is currently unknown. In summary, the available evidence is currently insufficient to determine the role of this variant in disease. Therefore, it has been classified as a Variant of Uncertain Significance.

NM_080669.6(SLC46A1):c.20C>A (p.Pro7His)

Genes: SLC46A1 (solute carrier family 46 member 1; minus strand), LOC130060550 (ATAC-STARR-seq lymphoblastoid silent region 8340; plus strand). Cytogenetic location: 17q11.2.
Variant type: single nucleotide variant.
Coding change: c.20C>A on transcript NM_080669.6 (MANE Select); coding-DNA position 20, C replaced by A.
Protein change: p.Pro7His; replaces proline 7 with histidine.
Molecular consequence: missense variant.
Genome position (GRCh38, 1-based): chr17:28,406,095, G>T on the plus strand (C>A on the coding strand, the complement: SLC46A1 is on the minus strand). VCF-style: chr17-28406095-G-T. GRCh37 (hg19) VCF-style: chr17-26733113-G-T.
Other names: c.20C>A (NM_080669.4); c.20C>A, p.Pro7His (NM_001242366.3); short protein forms P7H.
Identifiers: ClinVar variation 1521615 (VCV001521615.7), dbSNP rs2068259864, ClinGen allele CA398355033.